The following is an entry in ClinVar:

ClinVar aggregate classification (germline): Uncertain significance (1 of 4 stars; one submission).

Allele frequency attached by ClinVar (database versions not stated): gnomAD exomes below 0.00001.
gnomAD v4.1: 1 of 1,614,164 alleles (0.000062%); highest among the groups gnomAD compares: Non-Finnish European, 0.000085%; no homozygotes.

Submission:

Labcorp Genetics (formerly Invitae), Labcorp
Classification: Uncertain significance. Last evaluated: 2023-10-13. Review status: criteria provided, single submitter. Criteria: Invitae Variant Classification Sherloc (09022015). Collection method: clinical testing. Allele origin: germline.
Comment: This sequence change replaces leucine, which is neutral and non-polar, with methionine, which is neutral and non-polar, at codon 125 of the KCNK4 protein (p.Leu125Met). This variant is not present in population databases (gnomAD no frequency). This variant has not been reported in the literature in individuals affected with KCNK4-related conditions. ClinVar contains an entry for this variant (Variation ID: 1928529). An algorithm developed to predict the effect of missense changes on protein structure and function (PolyPhen-2) suggests that this variant is likely to be disruptive. In summary, the available evidence is currently insufficient to determine the role of this variant in disease. Therefore, it has been classified as a Variant of Uncertain Significance.

NM_033310.3(KCNK4):c.373C>A (p.Leu125Met)

Genes: KCNK4 (potassium two pore domain channel subfamily K member 4; plus strand), KCNK4-CATSPERZ (KCNK4-CATSPERZ readthrough (NMD candidate); plus strand). Cytogenetic location: 11q13.1.
Variant type: single nucleotide variant.
Coding change: c.373C>A on transcript NM_033310.3 (MANE Select); coding-DNA position 373, C replaced by A.
Protein change: p.Leu125Met; replaces leucine 125 with methionine.
Molecular consequence: missense variant. On other transcripts: non-coding transcript variant (3).
Genome position (GRCh38, 1-based): chr11:64,297,178, C>A. VCF-style: chr11-64297178-C-A. GRCh37 (hg19) VCF-style: chr11-64064650-C-A.
Other names: c.373C>A, p.Leu125Met (NM_001317090.2, NM_033311.1); short protein forms L125M.
Identifiers: ClinVar variation 1928529 (VCV001928529.5), dbSNP rs2495688100, ClinGen allele CA381164168.